The following is an entry in ClinVar:

ClinVar aggregate classification (germline): Uncertain significance. Review status: criteria provided, multiple submitters, no conflicts (2 of 4 stars). 2 submissions from 2 submitters: Uncertain significance (2). Last evaluated 2026-04-28.

Conditions:
Inborn genetic diseases. Identifiers: MedGen C0950123, MeSH D030342.

Allele frequency attached by ClinVar (database versions not stated): TOPMed below 0.00001.

Submissions (2):

Ambry Genetics
Classification: Uncertain significance for Inborn genetic diseases. Last evaluated: 2026-04-28. Review status: criteria provided, single submitter. Criteria: Ambry Variant Classification Scheme 2023. Collection method: clinical testing. Allele origin: germline.

Labcorp Genetics (formerly Invitae), Labcorp
Classification: Uncertain significance. Last evaluated: 2025-05-03. Review status: criteria provided, single submitter. Criteria: Invitae Variant Classification Sherloc (09022015). Collection method: clinical testing. Allele origin: germline.
Comment: This sequence change replaces glycine, which is neutral and non-polar, with serine, which is neutral and polar, at codon 8 of the KMT2B protein (p.Gly8Ser). The frequency data for this variant in the population databases is considered unreliable, as metrics indicate insufficient coverage at this position in the gnomAD database. This variant has not been reported in the literature in individuals affected with KMT2B-related conditions. ClinVar contains an entry for this variant (Variation ID: 1935646). Invitae Evidence Modeling of protein sequence and biophysical properties (such as structural, functional, and spatial information, amino acid conservation, physicochemical variation, residue mobility, and thermodynamic stability) has been performed for this missense variant. However, the output from this modeling did not meet the statistical confidence thresholds required to predict the impact of this variant on KMT2B protein function. In summary, the available evidence is currently insufficient to determine the role of this variant in disease. Therefore, it has been classified as a Variant of Uncertain Significance.

NM_014727.3(KMT2B):c.22G>A (p.Gly8Ser)

Gene: KMT2B (lysine methyltransferase 2B; plus strand). Cytogenetic location: 19q13.12.
Variant type: single nucleotide variant.
Coding change: c.22G>A on transcript NM_014727.3 (MANE Select); coding-DNA position 22, G replaced by A.
Protein change: p.Gly8Ser; replaces glycine 8 with serine.
Molecular consequence: missense variant.
Genome position (GRCh38, 1-based): chr19:35,718,040, G>A. VCF-style: chr19-35718040-G-A. GRCh37 (hg19) VCF-style: chr19-36208942-G-A.
Other names: c.22G>A (NM_014727.1); short protein forms G8S.
Identifiers: ClinVar variation 1935646 (VCV001935646.6), dbSNP rs1969021050, ClinGen allele CA405373729.